The following is an entry in ClinVar:

NM_001267550.2(TTN):c.45688G>T (p.Glu15230Ter)

Gene: TTN (titin; minus strand). Cytogenetic location: 2q31.2.
Variant type: single nucleotide variant.
Coding change: c.45688G>T on transcript NM_001267550.2 (MANE Select); coding-DNA position 45688, G replaced by T.
Protein change: p.Glu15230Ter; replaces glutamic acid 15230 with a stop codon.
Molecular consequence: nonsense.
Genome position (GRCh38, 1-based): chr2:178,620,922, C>A on the plus strand (G>T on the coding strand, the complement: TTN is on the minus strand). VCF-style: chr2-178620922-C-A. GRCh37 (hg19) VCF-style: chr2-179485649-C-A.
Other names: c.40765G>T, p.Glu13589Ter (NM_001256850.1); c.18493G>T, p.Glu6165Ter (NM_003319.4); c.37984G>T, p.Glu12662Ter (NM_133378.4); c.18868G>T, p.Glu6290Ter (NM_133432.3); c.19069G>T, p.Glu6357Ter (NM_133437.4); short protein forms E6165*, E6357*, E13589*, E15230*, E12662*, E6290*.
Identifiers: ClinVar variation 4615337 (VCV004615337.1).
Genomic context (GRCh38, chr2:178,620,922, plus strand): 5'-TATCAAATATAGCTTCTTCATTTCTGAACCATTTGGCTTTGGCACCTTCAGTATTGACTT[C>A]ACAGTTGAAGACAACTTCCTGTTGTTCCTTCACCCGGGTGTCCTTAAGAGGAACTACGAT-3'

ClinVar aggregate classification (germline): Likely pathogenic (1 of 4 stars; one submission).

Conditions:
Cardiovascular phenotype. Identifiers: MedGen CN230736.

Submission:

Ambry Genetics
Classification: Likely pathogenic for Cardiovascular phenotype. Last evaluated: 2025-10-28. Review status: criteria provided, single submitter. Criteria: Ambry Variant Classification Scheme 2023. Collection method: clinical testing. Allele origin: germline.
Comment: The p.E6165* variant (also known as c.18493G>T), located in coding exon 74 of the TTN gene, results from a G to T substitution at nucleotide position 18493. This changes the amino acid from a glutamic acid to a stop codon within coding exon 74. This exon is located in the I-band region of the N2-B isoform of the titin protein and is constitutively expressed in TTN transcripts (percent spliced in or PSI 100%). This variant is expected to result in loss of function by premature protein truncation or nonsense-mediated mRNA decay. While truncating variants in TTN are present in 1-3% of the general population, truncating variants in the A-band are the most common cause of dilated cardiomyopathy (Herman DS et al. N. Engl. J. Med., 2012 Feb;366:619-28; Roberts AM et al. Sci Transl Med, 2015 Jan;7:270ra6). TTN truncating variants encoded in constitutive exons (PSI >90%) have been found to be significantly associated with DCM regardless of their position in titin (Schafer S et al. Nat. Genet., 2017 01;49:46-53; Akhtar MM et al. Circ Heart Fail, 2020 Oct;13:e006832; Massier M et al. Clin Genet, 2025 Jan). This variant is considered to be rare based on population cohorts in the Genome Aggregation Database (gnomAD). Based on the majority of available evidence to date, this variant is likely to be pathogenic.